The following is an entry in ClinVar:

ClinVar aggregate classification (germline): Uncertain significance (1 of 4 stars; one submission).

Submission:

Labcorp Genetics (formerly Invitae), Labcorp
Classification: Uncertain significance. Last evaluated: 2023-01-15. Review status: criteria provided, single submitter. Criteria: Invitae Variant Classification Sherloc (09022015). Collection method: clinical testing. Allele origin: germline.
Comment: In summary, the available evidence is currently insufficient to determine the role of this variant in disease. Therefore, it has been classified as a Variant of Uncertain Significance. Advanced modeling of protein sequence and biophysical properties (such as structural, functional, and spatial information, amino acid conservation, physicochemical variation, residue mobility, and thermodynamic stability) performed at Invitae indicates that this missense variant is not expected to disrupt MTOR protein function. This variant has not been reported in the literature in individuals affected with MTOR-related conditions. This variant is not present in population databases (gnomAD no frequency). This sequence change replaces glutamic acid, which is acidic and polar, with glutamine, which is neutral and polar, at codon 1475 of the MTOR protein (p.Glu1475Gln).

NM_004958.4(MTOR):c.4423G>C (p.Glu1475Gln)

Gene: MTOR (mechanistic target of rapamycin kinase; minus strand). Cytogenetic location: 1p36.22.
Variant type: single nucleotide variant.
Coding change: c.4423G>C on transcript NM_004958.4 (MANE Select); coding-DNA position 4423, G replaced by C.
Protein change: p.Glu1475Gln; replaces glutamic acid 1475 with glutamine.
Molecular consequence: missense variant.
Genome position (GRCh38, 1-based): chr1:11,157,198, C>G on the plus strand (G>C on the coding strand, the complement: MTOR is on the minus strand). VCF-style: chr1-11157198-C-G. GRCh37 (hg19) VCF-style: chr1-11217255-C-G.
Other names: c.4423G>C, p.Glu1475Gln (NM_001386500.1); c.3175G>C, p.Glu1059Gln (NM_001386501.1); short protein forms E1059Q, E1475Q.
Identifiers: ClinVar variation 2828761 (VCV002828761.3), dbSNP rs1644346138, ClinGen allele CA338371690.